The following is an entry in ClinVar:

ClinVar aggregate classification (germline): Uncertain significance. Review status: criteria provided, multiple submitters, no conflicts (2 of 4 stars). 2 submissions from 2 submitters: Uncertain significance (2). Last evaluated 2023-12-11.

Conditions:
Epidermolysis bullosa simplex 3, localized or generalized intermediate, with BP230 deficiency (EBS3). Also called: Epidermolysis bullosa simplex due to BP230 deficiency; Epidermolysis bullosa simplex, autosomal recessive 2. Identifiers: Orphanet 412181, MedGen C3809470, MONDO:0014180, OMIM 615425.
Hereditary sensory and autonomic neuropathy type 6. Also called: Neuropathy, hereditary sensory and autonomic, type VI; HSAN VI. Identifiers: Orphanet 314381, MedGen C3539003, MONDO:0013839, OMIM 614653.
Inborn genetic diseases. Identifiers: MedGen C0950123, MeSH D030342.

Allele frequency attached by ClinVar (database versions not stated): gnomAD exomes 0.00003; ExAC 0.00005; 1000 Genomes Project 30x 0.00016; 1000 Genomes Project 0.00020; gnomAD 0.00022 and 0.00024; TOPMed 0.00023.
gnomAD v4.1: 66 of 1,604,848 alleles (0.0041%); highest among the groups gnomAD compares: African/African-American, 0.083%; no homozygotes.

Submissions (2):

Labcorp Genetics (formerly Invitae), Labcorp
Classification: Uncertain significance for Epidermolysis bullosa simplex 3, localized or generalized intermediate, with BP230 deficiency; Hereditary sensory and autonomic neuropathy type 6. Last evaluated: 2023-12-11. Review status: criteria provided, single submitter. Criteria: Invitae Variant Classification Sherloc (09022015). Collection method: clinical testing. Allele origin: germline.
Comment: The DST gene has multiple clinically relevant transcripts. This variant occurs in alternate transcript NM_015548.4, and corresponds to NM_001723.5:c.*99864G>A in the primary transcript. This sequence change replaces valine, which is neutral and non-polar, with isoleucine, which is neutral and non-polar, at codon 3502 of the DST protein (p.Val3502Ile). This variant is present in population databases (rs530821760, gnomAD 0.05%). This variant has not been reported in the literature in individuals affected with DST-related conditions. Experimental studies and prediction algorithms are not available or were not evaluated, and the functional significance of this variant is currently unknown. In summary, the available evidence is currently insufficient to determine the role of this variant in disease. Therefore, it has been classified as a Variant of Uncertain Significance.

Ambry Genetics
Classification: Uncertain significance for Inborn genetic diseases. Last evaluated: 2023-10-17. Review status: criteria provided, single submitter. Criteria: Ambry Variant Classification Scheme 2023. Collection method: clinical testing. Allele origin: germline.

NM_001374736.1(DST):c.18373G>A (p.Val6125Ile)

Gene: DST (dystonin; minus strand). Cytogenetic location: 6p12.1.
Variant type: single nucleotide variant.
Coding change: c.18373G>A on transcript NM_001374736.1 (MANE Select); coding-DNA position 18373, G replaced by A.
Protein change: p.Val6125Ile; replaces valine 6125 with isoleucine.
Molecular consequence: missense variant.
Genome position (GRCh38, 1-based): chr6:56,515,653, C>T on the plus strand (G>A on the coding strand, the complement: DST is on the minus strand). VCF-style: chr6-56515653-C-T. GRCh37 (hg19) VCF-style: chr6-56380451-C-T.
Other names: c.12016G>A, p.Val4006Ile (NM_001144769.5); c.11602G>A, p.Val3868Ile (NM_001144770.2); c.18373G>A, p.Val6125Ile (NM_001374722.1); c.17413G>A, p.Val5805Ile (NM_001374729.1); c.11155G>A, p.Val3719Ile (NM_001374730.1); c.18400G>A, p.Val6134Ile (NM_001374734.1); c.11482G>A, p.Val3828Ile (NM_001386100.1, NM_183380.4); c.10504G>A, p.Val3502Ile (NM_015548.5); and 1 more; short protein forms V3719I, V4006I, V3502I, V6125I, V6134I, V5805I, V3828I, V3868I.
Identifiers: ClinVar variation 1423693 (VCV001423693.5), dbSNP rs530821760, ClinGen allele CA3867208.